The following is an entry in ClinVar:

NM_004130.4(GYG1):c.137C>G (p.Ser46Cys)

Gene: GYG1 (glycogenin 1; plus strand). Cytogenetic location: 3q24.
Variant type: single nucleotide variant.
Coding change: c.137C>G on transcript NM_004130.4 (MANE Select); coding-DNA position 137, C replaced by G.
Protein change: p.Ser46Cys; replaces serine 46 with cysteine.
Molecular consequence: missense variant.
Genome position (GRCh38, 1-based): chr3:148,994,271, C>G. VCF-style: chr3-148994271-C-G. GRCh37 (hg19) VCF-style: chr3-148712058-C-G.
Other names: c.137C>G, p.Ser46Cys (NM_001184720.2, NM_001184721.2); short protein forms S46C.
Identifiers: ClinVar variation 383918 (VCV000383918.35), dbSNP rs142784073, ClinGen allele CA2658466.

ClinVar aggregate classification (germline): Benign/Likely benign. Review status: criteria provided, multiple submitters, no conflicts (2 of 4 stars). 4 submissions from 4 submitters: Benign (3); Likely benign (1). Last evaluated 2025-10-09.

Conditions:
Polyglucosan body myopathy type 2. Identifiers: Orphanet 456369, MedGen C4015452, MONDO:0014526, OMIM 616199.
Glycogen storage disease XV (GSD15). Also called: GLYCOGENIN DEFICIENCY; GSD XV. Identifiers: Orphanet 263297, MedGen C3150754, MONDO:0013291, OMIM 613507.

Allele frequency attached by ClinVar (database versions not stated): gnomAD 0.00001 and 0.00035; TOPMed 0.00006; ESP Exome Variant Server 0.00008; gnomAD exomes 0.00064 and 0.00132; ExAC 0.00167; 1000 Genomes Project 0.00339; 1000 Genomes Project 30x 0.00406.
gnomAD v4.1: 991 of 1,614,020 alleles (0.061%); highest among the groups gnomAD compares: South Asian, 1%; 16 homozygotes.

Submissions (4):

Labcorp Genetics (formerly Invitae), Labcorp
Classification: Benign for Polyglucosan body myopathy type 2; Glycogen storage disease XV. Last evaluated: 2025-10-09. Review status: criteria provided, single submitter. Criteria: Invitae Variant Classification Sherloc (09022015). Collection method: clinical testing. Allele origin: germline.

CeGaT Center for Human Genetics Tuebingen
Classification: Benign. Last evaluated: 2024-05-01. Review status: criteria provided, single submitter. Criteria: CeGaT Center For Human Genetics Tuebingen Variant Classification Criteria Version 2. Collection method: clinical testing. Allele origin: germline. Affected: yes. Observed: 3 variant alleles.
Comment: GYG1: BP4, BS1, BS2

Fulgent Genetics
Classification: Likely benign for Glycogen storage disease XV; Polyglucosan body myopathy type 2. Last evaluated: 2022-05-02. Review status: criteria provided, single submitter. Criteria: ACMG Guidelines, 2015. Collection method: clinical testing. Allele origin: unknown.

GeneDx
Classification: Benign. Last evaluated: 2017-01-05. Review status: criteria provided, single submitter. Criteria: GeneDx Variant Classification (06012015). Collection method: clinical testing. Allele origin: germline. Affected: yes.
Comment: This variant is considered likely benign or benign based on one or more of the following criteria: it is a conservative change, it occurs at a poorly conserved position in the protein, it is predicted to be benign by multiple in silico algorithms, and/or has population frequency not consistent with disease.